The following is an entry in ClinVar:

ClinVar aggregate classification (germline): Uncertain significance (1 of 4 stars; one submission).

gnomAD v4.1: 24 of 1,611,992 alleles (0.0015%); highest among the groups gnomAD compares: Middle Eastern, 0.017%; no homozygotes.

Submission:

Labcorp Genetics (formerly Invitae), Labcorp
Classification: Uncertain significance. Last evaluated: 2024-02-17. Review status: criteria provided, single submitter. Criteria: Invitae Variant Classification Sherloc (09022015). Collection method: clinical testing. Allele origin: germline.
Comment: This sequence change replaces arginine, which is basic and polar, with glutamine, which is neutral and polar, at codon 72 of the COQ8B protein (p.Arg72Gln). This variant is present in population databases (rs145805129, gnomAD 0.006%). This variant has not been reported in the literature in individuals affected with COQ8B-related conditions. Advanced modeling of protein sequence and biophysical properties (such as structural, functional, and spatial information, amino acid conservation, physicochemical variation, residue mobility, and thermodynamic stability) performed at Invitae indicates that this missense variant is not expected to disrupt COQ8B protein function with a negative predictive value of 80%. In summary, the available evidence is currently insufficient to determine the role of this variant in disease. Therefore, it has been classified as a Variant of Uncertain Significance.

NM_024876.4(COQ8B):c.215G>A (p.Arg72Gln)

Gene: COQ8B (coenzyme Q8B; minus strand). Cytogenetic location: 19q13.2.
Variant type: single nucleotide variant.
Coding change: c.215G>A on transcript NM_024876.4 (MANE Select); coding-DNA position 215, G replaced by A.
Protein change: p.Arg72Gln; replaces arginine 72 with glutamine.
Molecular consequence: missense variant.
Genome position (GRCh38, 1-based): chr19:40,714,285, C>T on the plus strand (G>A on the coding strand, the complement: COQ8B is on the minus strand). VCF-style: chr19-40714285-C-T. GRCh37 (hg19) VCF-style: chr19-41220190-C-T.
Other names: c.215G>A, p.Arg72Gln (NM_001142555.3); short protein forms R72Q.
Identifiers: ClinVar variation 3703841 (VCV003703841.2).